The following is an entry in ClinVar:

ClinVar aggregate classification (germline): Uncertain significance (1 of 4 stars; one submission).

Conditions:
Hyperekplexia 3 (HKPX3). Also called: HYPEREKPLEXIA 3, AUTOSOMAL RECESSIVE; HYPEREKPLEXIA 3, AUTOSOMAL DOMINANT. Identifiers: Orphanet 3197, MedGen C3553288, MONDO:0013827, OMIM 614618.

Allele frequency attached by ClinVar (database versions not stated): gnomAD exomes below 0.00001.
gnomAD v4.1: 2 of 1,613,998 alleles (0.00012%); highest among the groups gnomAD compares: Non-Finnish European, 0.00017%; no homozygotes.

Submission:

Labcorp Genetics (formerly Invitae), Labcorp
Classification: Uncertain significance for Hyperekplexia 3. Last evaluated: 2022-03-18. Review status: criteria provided, single submitter. Criteria: Invitae Variant Classification Sherloc (09022015). Collection method: clinical testing. Allele origin: germline.
Comment: In summary, the available evidence is currently insufficient to determine the role of this variant in disease. Therefore, it has been classified as a Variant of Uncertain Significance. Advanced modeling of protein sequence and biophysical properties (such as structural, functional, and spatial information, amino acid conservation, physicochemical variation, residue mobility, and thermodynamic stability) performed at Invitae indicates that this missense variant is not expected to disrupt SLC6A5 protein function. This variant has not been reported in the literature in individuals affected with SLC6A5-related conditions. This variant is not present in population databases (gnomAD no frequency). This sequence change replaces leucine, which is neutral and non-polar, with phenylalanine, which is neutral and non-polar, at codon 247 of the SLC6A5 protein (p.Leu247Phe).

NM_004211.5(SLC6A5):c.741G>T (p.Leu247Phe)

Gene: SLC6A5 (solute carrier family 6 member 5; plus strand). Cytogenetic location: 11p15.1.
Variant type: single nucleotide variant.
Coding change: c.741G>T on transcript NM_004211.5 (MANE Select); coding-DNA position 741, G replaced by T.
Protein change: p.Leu247Phe; replaces leucine 247 with phenylalanine.
Molecular consequence: missense variant.
Genome position (GRCh38, 1-based): chr11:20,607,068, G>T. VCF-style: chr11-20607068-G-T. GRCh37 (hg19) VCF-style: chr11-20628614-G-T.
Other names: c.39G>T, p.Leu13Phe (NM_001318369.2); short protein forms L13F, L247F.
Identifiers: ClinVar variation 2040627 (VCV002040627.4), dbSNP rs2494105248, ClinGen allele CA379913763.